The following is an entry in ClinVar:

ClinVar aggregate classification (germline): Uncertain significance (1 of 4 stars; one submission).

Submission:

Labcorp Genetics (formerly Invitae), Labcorp
Classification: Uncertain significance. Last evaluated: 2022-03-19. Review status: criteria provided, single submitter. Criteria: Invitae Variant Classification Sherloc (09022015). Collection method: clinical testing. Allele origin: germline.
Comment: This sequence change replaces threonine, which is neutral and polar, with glutamine, which is neutral and polar, at codon 417 of the SZT2 protein (p.Thr417Gln). Information on the frequency of this variant in the gnomAD database is not available, as this variant may be reported differently in the database. This variant has not been reported in the literature in individuals affected with SZT2-related conditions. Algorithms developed to predict the effect of missense changes on protein structure and function are either unavailable or do not agree on the potential impact of this missense change (SIFT: "Not Available"; PolyPhen-2: "Probably Damaging"; Align-GVGD: "Not Available"). In summary, the available evidence is currently insufficient to determine the role of this variant in disease. Therefore, it has been classified as a Variant of Uncertain Significance.

NM_001365999.1(SZT2):c.1249_1250delinsCA (p.Thr417Gln)

Gene: SZT2 (SZT2 subunit of KICSTOR complex; plus strand). Cytogenetic location: 1p34.2.
Variant type: Indel.
Coding change: c.1249_1250delinsCA on transcript NM_001365999.1 (MANE Select); coding-DNA positions 1249 to 1250, AC replaced by CA.
Protein change: p.Thr417Gln; replaces threonine 417 with glutamine.
Molecular consequence: missense variant.
Genome position (GRCh38, 1-based): chr1:43,420,311-43,420,312, AC replaced by CA. VCF-style: chr1-43420311-AC-CA. GRCh37 (hg19) VCF-style: chr1-43885982-AC-CA.
Other names: c.1249_1250delinsCA, p.Thr417Gln (NM_015284.4); short protein forms T417Q.
Identifiers: ClinVar variation 1357082 (VCV001357082.3), dbSNP rs2153932166, ClinGen allele CA2573132321.